The following is an entry in ClinVar:

NM_006206.6(PDGFRA):c.2717A>G (p.Tyr906Cys)

Gene: PDGFRA (platelet derived growth factor receptor alpha; plus strand). Cytogenetic location: 4q12.
Variant type: single nucleotide variant.
Coding change: c.2717A>G on transcript NM_006206.6 (MANE Select); coding-DNA position 2717, A replaced by G.
Protein change: p.Tyr906Cys; replaces tyrosine 906 with cysteine.
Molecular consequence: missense variant.
Genome position (GRCh38, 1-based): chr4:54,288,841, A>G. VCF-style: chr4-54288841-A-G. GRCh37 (hg19) VCF-style: chr4-55155008-A-G.
Other names: c.2792A>G, p.Tyr931Cys (NM_001347828.2); c.2717A>G, p.Tyr906Cys (NM_001347829.2); c.2756A>G, p.Tyr919Cys (NM_001347830.2); short protein forms Y919C, Y906C, Y931C.
Identifiers: ClinVar variation 2124855 (VCV002124855.5), dbSNP rs2110344618, ClinGen allele CA356895492.

ClinVar aggregate classification (germline): Uncertain significance. Review status: criteria provided, multiple submitters, no conflicts (2 of 4 stars). 2 submissions from 2 submitters: Uncertain significance (2). Last evaluated 2025-05-15.

Conditions:
Gastrointestinal stromal tumor. Also called: Gastrointestinal stroma tumor; Gastrointestinal stromal tumor, somatic. Identifiers: Orphanet 44890, MedGen C0238198, MeSH D046152, MONDO:0011719, OMIM 606764, HP:0100723.
Hereditary cancer-predisposing syndrome. Also called: Hereditary Cancer Syndrome; Hereditary neoplastic syndrome; Neoplastic Syndromes, Hereditary; Tumor predisposition. Identifiers: Orphanet 140162, MedGen C0027672, MeSH D009386, MONDO:0015356.

gnomAD v4.1: 1 of 1,613,636 alleles (0.000062%); highest among the groups gnomAD compares: Non-Finnish European, 0.000085%; no homozygotes.

Submissions (2):

Labcorp Genetics (formerly Invitae), Labcorp
Classification: Uncertain significance for Gastrointestinal stromal tumor. Last evaluated: 2025-05-15. Review status: criteria provided, single submitter. Criteria: Invitae Variant Classification Sherloc (09022015). Collection method: clinical testing. Allele origin: germline.
Comment: This sequence change replaces tyrosine, which is neutral and polar, with cysteine, which is neutral and slightly polar, at codon 906 of the PDGFRA protein (p.Tyr906Cys). This variant is not present in population databases (gnomAD no frequency). This variant has not been reported in the literature in individuals affected with PDGFRA-related conditions. ClinVar contains an entry for this variant (Variation ID: 2124855). Invitae Evidence Modeling of protein sequence and biophysical properties (such as structural, functional, and spatial information, amino acid conservation, physicochemical variation, residue mobility, and thermodynamic stability) indicates that this missense variant is not expected to disrupt PDGFRA protein function with a negative predictive value of 80%. In summary, the available evidence is currently insufficient to determine the role of this variant in disease. Therefore, it has been classified as a Variant of Uncertain Significance.

Ambry Genetics
Classification: Uncertain significance for Hereditary cancer-predisposing syndrome. Last evaluated: 2023-09-27. Review status: criteria provided, single submitter. Criteria: Ambry Variant Classification Scheme 2023. Collection method: clinical testing. Allele origin: germline.
Comment: The p.Y906C variant (also known as c.2717A>G), located in coding exon 19 of the PDGFRA gene, results from an A to G substitution at nucleotide position 2717. The tyrosine at codon 906 is replaced by cysteine, an amino acid with highly dissimilar properties. This amino acid position is conserved. In addition, this alteration is predicted to be deleterious by in silico analysis. Since supporting evidence is limited at this time, the clinical significance of this alteration remains unclear.